The following is an entry in ClinVar:

NM_005918.4(MDH2):c.48C>G (p.Ser16Arg)

Gene: MDH2 (malate dehydrogenase 2; plus strand). Cytogenetic location: 7q11.23.
Variant type: single nucleotide variant.
Coding change: c.48C>G on transcript NM_005918.4 (MANE Select); coding-DNA position 48, C replaced by G.
Protein change: p.Ser16Arg; replaces serine 16 with arginine.
Molecular consequence: missense variant. On other transcripts: 5 prime UTR variant (1), non-coding transcript variant (1).
Genome position (GRCh38, 1-based): chr7:76,048,208, C>G. VCF-style: chr7-76048208-C-G. GRCh37 (hg19) VCF-style: chr7-75677526-C-G.
Other names: c.48C>G, p.Ser16Arg (NM_001282403.2); c.-105C>G (NM_001282404.2); short protein forms S16R.
Identifiers: ClinVar variation 1743933 (VCV001743933.2), dbSNP rs1209100286, ClinGen allele CA367760117.

ClinVar aggregate classification (germline): Uncertain significance (1 of 4 stars; one submission).

Conditions:
Inborn genetic diseases. Identifiers: MedGen C0950123, MeSH D030342.

Submission:

Ambry Genetics
Classification: Uncertain significance for Inborn genetic diseases. Last evaluated: 2022-06-21. Review status: criteria provided, single submitter. Criteria: Ambry Variant Classification Scheme 2023. Collection method: clinical testing. Allele origin: germline.
Comment: The p.S16R variant (also known as c.48C>G), located in coding exon 1 of the MDH2 gene, results from a C to G substitution at nucleotide position 48. The serine at codon 16 is replaced by arginine, an amino acid with dissimilar properties. This amino acid position is conserved. In addition, this alteration is predicted to be tolerated by in silico analysis. Since supporting evidence is limited at this time, the clinical significance of this alteration remains unclear.